The following is an entry in ClinVar:

NM_004036.5(ADCY3):c.2196G>A (p.Thr732=)

Gene: ADCY3 (adenylate cyclase 3; minus strand). Cytogenetic location: 2p23.3.
Variant type: single nucleotide variant.
Coding change: c.2196G>A on transcript NM_004036.5 (MANE Select); coding-DNA position 2196, G replaced by A.
Protein change: p.Thr732=; no amino-acid change (threonine 732 retained).
Molecular consequence: synonymous variant. On other transcripts: intron variant (2).
Genome position (GRCh38, 1-based): chr2:24,828,138, C>T on the plus strand (G>A on the coding strand, the complement: ADCY3 is on the minus strand). VCF-style: chr2-24828138-C-T. GRCh37 (hg19) VCF-style: chr2-25051007-C-T.
Other names: c.2196G>A, p.Thr732= (NM_001320613.2, NM_001377132.1); c.2262G>A, p.Thr754= (NM_001377128.1); c.1473G>A, p.Thr491= (NM_001377131.1); c.2172+2571G>A (NM_001377130.1); c.2173-115G>A (NM_001377129.1).
Identifiers: ClinVar variation 2634639 (VCV002634639.8), dbSNP rs200197892, ClinGen allele CA1553834.

ClinVar aggregate classification (germline): Conflicting classifications of pathogenicity. Review status: criteria provided, conflicting classifications (1 of 4 stars). 3 submissions from 3 submitters: Uncertain significance (1); Likely benign (2). Last evaluated 2026-06-03.

Conditions:
ADCY3-related disorder. Also called: ADCY3-related condition.

Allele frequency attached by ClinVar (database versions not stated): ExAC 0.00016; 1000 Genomes Project 30x 0.00109; 1000 Genomes Project 0.00120; TOPMed 0.00006; gnomAD exomes 0.00008; gnomAD 0.00012.
gnomAD v4.1: 144 of 1,613,960 alleles (0.0089%); highest among the groups gnomAD compares: South Asian, 0.071%; 1 homozygote.

Submissions (3):

PreventionGenetics, part of Exact Sciences
Classification: Uncertain significance for ADCY3-related condition. Last evaluated: 2026-06-03. Review status: criteria provided, single submitter. Criteria: ACMG Guidelines, 2015. Collection method: clinical testing. Allele origin: germline.
Comment: The ADCY3 c.2196G>A is a noncoding alteration. This variant is predicted to alter splicing based on available splicing prediction programs (SpliceAI, Jaganathan et al. 2019. PubMed ID: 30661751); however, to date this prediction has not been proven by functional studies. To our knowledge, this variant has not been reported in the literature. This variant is reported in 0.092% of alleles in individuals of East Asian descent in gnomAD, which is likely too common for an undocumented disease-causing variant. Although we suspect that this variant may be benign, at this time, the clinical significance of this variant is uncertain due to the absence of conclusive functional and genetic evidence.

Labcorp Genetics (formerly Invitae), Labcorp
Classification: Likely benign. Last evaluated: 2025-08-21. Review status: criteria provided, single submitter. Criteria: Invitae Variant Classification Sherloc (09022015). Collection method: clinical testing. Allele origin: germline.

Blueprint Genetics
Classification: Likely benign. Last evaluated: 2023-12-11. Review status: criteria provided, single submitter. Criteria: ACMG Guidelines, 2015. Collection method: clinical testing. Allele origin: germline.